The following is an entry in ClinVar:

NM_002878.4(RAD51D):c.82+5C>G

Genes: RAD51D (RAD51 paralog D; minus strand), RAD51L3-RFFL (RAD51L3-RFFL readthrough; minus strand). Cytogenetic location: 17q12.
Variant type: single nucleotide variant.
Coding change: c.82+5C>G on transcript NM_002878.4 (MANE Select); 5 bases into the intron after coding-DNA position 82, C replaced by G.
Molecular consequence: intron variant.
Genome position (GRCh38, 1-based): chr17:35,119,527, G>C on the plus strand (C>G on the coding strand, the complement: RAD51D is on the minus strand). VCF-style: chr17-35119527-G-C. GRCh37 (hg19) VCF-style: chr17-33446546-G-C.
Other names: c.82+5C>G (NM_133629.3, NM_001142571.2).
Identifiers: ClinVar variation 3903672 (VCV003903672.1).
Genomic context (GRCh38, chr17:35,119,527, plus strand): 5'-CCCTCGGGGCCTGCCCAGGTTGTGCGAGGCCCGCGCGGCTCCCTGGCACGCGCACACCCG[G>C]TCACCTGTCTTGATCCTGTGGCTCCTGAGAAGCTGGATCATCTCCTCGGTAAGGCCAGGG-3'

ClinVar aggregate classification (germline): Likely benign (1 of 4 stars; one submission).

Conditions:
Breast-ovarian cancer, familial, susceptibility to, 4. Identifiers: Orphanet 145, MedGen C3280345, MONDO:0013669, OMIM 614291.

Submission:

Myriad Genetics, Inc.
Classification: Likely benign for Breast-ovarian cancer, familial, susceptibility to, 4. Last evaluated: 2025-02-20. Review status: criteria provided, single submitter. Criteria: Myriad Autosomal Dominant, Autosomal Recessive and X-Linked Classification Criteria (2023). Collection method: clinical testing. Allele origin: unknown.
Comment: This variant is considered likely benign. This variant is intronic and is not expected to impact mRNA splicing.